The following is an entry in ClinVar:

NM_025114.4(CEP290):c.5684T>C (p.Val1895Ala)

Gene: CEP290 (centrosomal protein 290; minus strand). Cytogenetic location: 12q21.32.
Variant type: single nucleotide variant.
Coding change: c.5684T>C on transcript NM_025114.4 (MANE Select); coding-DNA position 5684, T replaced by C.
Protein change: p.Val1895Ala; replaces valine 1895 with alanine.
Molecular consequence: missense variant.
Genome position (GRCh38, 1-based): chr12:88,077,247, A>G on the plus strand (T>C on the coding strand, the complement: CEP290 is on the minus strand). VCF-style: chr12-88077247-A-G. GRCh37 (hg19) VCF-style: chr12-88471024-A-G.
Other names: c.5684T>C (NM_025114.3); short protein forms V1895A.
Identifiers: ClinVar variation 2143567 (VCV002143567.4), dbSNP rs764240457, ClinGen allele CA6711678.

ClinVar aggregate classification (germline): Conflicting classifications of pathogenicity. Review status: criteria provided, conflicting classifications (1 of 4 stars). 4 submissions from 4 submitters: Uncertain significance (3); Likely benign (1). Last evaluated 2025-08-09.

Conditions:
CEP290-related disorder. Also called: CEP290-related disorders; CEP290-related condition. Identifiers: MedGen CN239314.
Joubert syndrome. Also called: JOUBERT-BOLTSHAUSER SYNDROME; Familial aplasia of the vermis. Identifiers: Orphanet 475, MedGen C5979921, MONDO:0018772.
Nephronophthisis. Also called: Juvenile Nephronophthisis. Identifiers: Orphanet 655, MedGen C0687120, MONDO:0019005, HP:0000090.
Meckel-Gruber syndrome. Also called: DYSENCEPHALIA SPLANCHNOCYSTICA; GRUBER SYNDROME; Dysencephalia splachnocystica. Identifiers: Orphanet 564, MedGen C0265215, MONDO:0018921.
Inborn genetic diseases. Identifiers: MedGen C0950123, MeSH D030342.

Allele frequency attached by ClinVar (database versions not stated): TOPMed below 0.00001; ExAC 0.00001.
gnomAD v4.1: 20 of 1,604,996 alleles (0.0012%); highest among the groups gnomAD compares: East Asian, 0.0022%; no homozygotes.

Submissions (4):

Ambry Genetics
Classification: Likely benign for Inborn genetic diseases. Last evaluated: 2025-08-09. Review status: criteria provided, single submitter. Criteria: Ambry Variant Classification Scheme 2023. Collection method: clinical testing. Allele origin: germline.

PreventionGenetics, part of Exact Sciences
Classification: Uncertain significance for CEP290-related condition. Last evaluated: 2024-11-26. Review status: criteria provided, single submitter. Criteria: ACMG Guidelines, 2015. Collection method: clinical testing. Allele origin: germline.
Comment: The CEP290 c.5684T>C variant is predicted to result in the amino acid substitution p.Val1895Ala. To our knowledge, this variant has not been reported in the literature. This variant is reported in 0.00090% of alleles in individuals of European (Non-Finnish) descent in gnomAD. At this time, the clinical significance of this variant is uncertain due to the absence of conclusive functional and genetic evidence.

Blueprint Genetics
Classification: Uncertain significance. Last evaluated: 2024-10-01. Review status: criteria provided, single submitter. Criteria: ACMG Guidelines, 2015. Collection method: clinical testing. Allele origin: germline.

Labcorp Genetics (formerly Invitae), Labcorp
Classification: Uncertain significance for Joubert syndrome; Meckel-Gruber syndrome; Nephronophthisis. Last evaluated: 2022-06-17. Review status: criteria provided, single submitter. Criteria: Invitae Variant Classification Sherloc (09022015). Collection method: clinical testing. Allele origin: germline.
Comment: This sequence change replaces valine, which is neutral and non-polar, with alanine, which is neutral and non-polar, at codon 1895 of the CEP290 protein (p.Val1895Ala). This variant is not present in population databases (gnomAD no frequency). This variant has not been reported in the literature in individuals affected with CEP290-related conditions. Algorithms developed to predict the effect of missense changes on protein structure and function output the following: SIFT: "Tolerated"; PolyPhen-2: "Benign"; Align-GVGD: "Class C0". The alanine amino acid residue is found in multiple mammalian species, which suggests that this missense change does not adversely affect protein function. In summary, the available evidence is currently insufficient to determine the role of this variant in disease. Therefore, it has been classified as a Variant of Uncertain Significance.